The following is an entry in ClinVar:

NM_001164277.2(SLC37A4):c.154A>C (p.Ile52Leu)

Gene: SLC37A4 (solute carrier family 37 member 4; minus strand). Cytogenetic location: 11q23.3.
Variant type: single nucleotide variant.
Coding change: c.154A>C on transcript NM_001164277.2 (MANE Select); coding-DNA position 154, A replaced by C.
Protein change: p.Ile52Leu; replaces isoleucine 52 with leucine.
Molecular consequence: missense variant. On other transcripts: 5 prime UTR variant (1).
Genome position (GRCh38, 1-based): chr11:119,028,421, T>G on the plus strand (A>C on the coding strand, the complement: SLC37A4 is on the minus strand). VCF-style: chr11-119028421-T-G. GRCh37 (hg19) VCF-style: chr11-118899131-T-G.
Other names: c.154A>C, p.Ile52Leu (NM_001164278.2, NM_001164280.2, NM_001467.6); c.-66A>C (NM_001164279.2); short protein forms I52L.
Identifiers: ClinVar variation 569791 (VCV000569791.8), dbSNP rs1565690903, ClinGen allele CA382906598.

ClinVar aggregate classification (germline): Uncertain significance (1 of 4 stars; one submission).

Conditions:
Glucose-6-phosphate transport defect (GSD1B). Also called: Glycogen Storage Disease Type Ib; GSD Ib. Identifiers: Orphanet 364, Orphanet 79259, MedGen C0268146, MONDO:0009288, OMIM 232220.

Submission:

Labcorp Genetics (formerly Invitae), Labcorp
Classification: Uncertain significance for Glucose-6-phosphate transport defect. Last evaluated: 2022-07-19. Review status: criteria provided, single submitter. Criteria: Invitae Variant Classification Sherloc (09022015). Collection method: clinical testing. Allele origin: germline.
Comment: This variant is not present in population databases (gnomAD no frequency). This sequence change replaces isoleucine, which is neutral and non-polar, with leucine, which is neutral and non-polar, at codon 52 of the SLC37A4 protein (p.Ile52Leu). This variant has not been reported in the literature in individuals affected with SLC37A4-related conditions. In summary, the available evidence is currently insufficient to determine the role of this variant in disease. Therefore, it has been classified as a Variant of Uncertain Significance. Experimental studies and prediction algorithms are not available or were not evaluated, and the functional significance of this variant is currently unknown. ClinVar contains an entry for this variant (Variation ID: 569791).